The following is an entry in ClinVar:

NM_005529.7(HSPG2):c.9643C>G (p.Gln3215Glu)

Gene: HSPG2 (heparan sulfate proteoglycan 2; minus strand). Cytogenetic location: 1p36.12.
Variant type: single nucleotide variant.
Coding change: c.9643C>G on transcript NM_005529.7 (MANE Select); coding-DNA position 9643, C replaced by G.
Protein change: p.Gln3215Glu; replaces glutamine 3215 with glutamic acid.
Molecular consequence: missense variant.
Genome position (GRCh38, 1-based): chr1:21,839,888, G>C on the plus strand (C>G on the coding strand, the complement: HSPG2 is on the minus strand). VCF-style: chr1-21839888-G-C. GRCh37 (hg19) VCF-style: chr1-22166381-G-C.
Other names: c.9646C>G, p.Gln3216Glu (NM_001291860.2); short protein forms Q3215E, Q3216E.
Identifiers: ClinVar variation 1958330 (VCV001958330.5), dbSNP rs2550657149, ClinGen allele CA338913677.

ClinVar aggregate classification (germline): Uncertain significance (1 of 4 stars; one submission).

Submission:

Labcorp Genetics (formerly Invitae), Labcorp
Classification: Uncertain significance. Last evaluated: 2022-10-25. Review status: criteria provided, single submitter. Criteria: Invitae Variant Classification Sherloc (09022015). Collection method: clinical testing. Allele origin: germline.
Comment: This sequence change replaces glutamine, which is neutral and polar, with glutamic acid, which is acidic and polar, at codon 3215 of the HSPG2 protein (p.Gln3215Glu). This variant is not present in population databases (gnomAD no frequency). This variant has not been reported in the literature in individuals affected with HSPG2-related conditions. Algorithms developed to predict the effect of missense changes on protein structure and function (SIFT, PolyPhen-2, Align-GVGD) all suggest that this variant is likely to be tolerated. In summary, the available evidence is currently insufficient to determine the role of this variant in disease. Therefore, it has been classified as a Variant of Uncertain Significance.